The following is an entry in ClinVar:

ClinVar aggregate classification (germline): Pathogenic. Review status: criteria provided, multiple submitters, no conflicts (2 of 4 stars). 12 submissions from 12 submitters: Pathogenic (12). Last evaluated 2026-06-23.

Conditions:
COL1A1-related disorder. Also called: COL1A1- related disease; COL1A1-related condition.
Osteogenesis imperfecta, perinatal lethal (OI2). Also called: OI, TYPE II; OSTEOGENESIS IMPERFECTA CONGENITA; VROLIK TYPE OF OSTEOGENESIS IMPERFECTA; OSTEOGENESIS IMPERFECTA, TYPE II; Osteogenesis imperfecta, dominant perinatal lethal; Osteogenesis imperfecta type 2. Identifiers: Orphanet 216804, MedGen C0268358, MONDO:0008147, OMIM 166210.
Osteogenesis imperfecta type III (OI3). Also called: Progressively Deforming Osteogenesis Imperfecta; Osteogenesis imperfecta type 3; OI type 3; Osteogenesis imperfecta, progressively deforming with normal sclerae; OI type III. Identifiers: Orphanet 216812, Orphanet 666, MedGen C0268362, MONDO:0009804, OMIM 259420.
Osteogenesis imperfecta with normal sclerae, dominant form (OI4). Also called: Common Variable Osteogenesis Imperfecta with Normal Sclerae; OSTEOGENESIS IMPERFECTA WITH NORMAL SCLERAE; OSTEOGENESIS IMPERFECTA, TYPE IV, WITH DENTINOGENESIS IMPERFECTA; Osteogenesis Imperfecta Type IV; Osteogenesis imperfecta type 4. Identifiers: Orphanet 216820, Orphanet 666, MedGen C0268363, MONDO:0008148, OMIM 166220.
Osteogenesis imperfecta type I (OI1). Also called: Classic Non-deforming Osteogenesis Imperfecta with Blue Sclerae; OI, TYPE I; OSTEOGENESIS IMPERFECTA TARDA; OSTEOGENESIS IMPERFECTA WITH BLUE SCLERAE; Lobstein disease; Osteogenesis imperfecta type 1. Identifiers: Orphanet 216796, Orphanet 666, MedGen C0023931, MONDO:0008146, OMIM 166200. Disease mechanism: loss of function.
Osteogenesis imperfecta (OI). Identifiers: Orphanet 666, MedGen C0029434, MeSH D010013, MONDO:0019019.

Submissions (12):

Greenwood Genetic Center Diagnostic Laboratories, Greenwood Genetic Center
Classification: Pathogenic for COL1A1-related disorder. Last evaluated: 2026-06-23. Review status: criteria provided, single submitter. Criteria: ACMG Guidelines, 2015. Collection method: clinical testing. Allele origin: germline. Affected: yes.
Comment: PVS1, PS4, PM2

Labcorp Genetics (formerly Invitae), Labcorp
Classification: Pathogenic for Osteogenesis imperfecta type I. Last evaluated: 2025-12-22. Review status: criteria provided, single submitter. Criteria: Invitae Variant Classification Sherloc (09022015). Collection method: clinical testing. Allele origin: germline.
Comment: This sequence change creates a premature translational stop signal (p.Arg253*) in the COL1A1 gene. It is expected to result in an absent or disrupted protein product. Loss-of-function variants in COL1A1 are known to be pathogenic (PMID: 7942841, 9295084, 9443882). This variant is not present in population databases (gnomAD no frequency). This premature translational stop signal has been observed in individuals with osteogenesis imperfecta (PMID: 15024745, 27484908, 27509835, 27748872). ClinVar contains an entry for this variant (Variation ID: 265435). For these reasons, this variant has been classified as Pathogenic.

Women's Health and Genetics/Laboratory Corporation of America, LabCorp
Classification: Pathogenic for Osteogenesis imperfecta. Last evaluated: 2025-12-01. Review status: criteria provided, single submitter. Criteria: LabCorp Variant Classification Summary - May 2015. Collection method: clinical testing. Allele origin: germline.
Comment: Variant summary: COL1A1 c.757C>T (p.Arg253X) results in a premature termination codon, predicted to cause a truncation of the encoded protein or absence of the protein due to nonsense mediated decay, however current evidence is not sufficient to establish loss of function as a mechanism for disease. The variant was absent in 251460 control chromosomes (gnomAD). c.757C>T has been observed in multiple individuals affected with Osteogenesis Imperfecta (Maioli_2019). These data indicate that the variant is very likely to be associated with disease. To our knowledge, no experimental evidence demonstrating an impact on protein function has been reported. The following publication have been ascertained in the context of this evaluation (PMID: 30886339). ClinVar contains an entry for this variant (Variation ID: 265435). Based on the evidence outlined above, the variant was classified as pathogenic.

GeneDx
Classification: Pathogenic. Last evaluated: 2025-09-12. Review status: criteria provided, single submitter. Criteria: GeneDx Variant Classification Process June 2021. Collection method: clinical testing. Allele origin: germline. Affected: yes.
Comment: Not observed at significant frequency in large population cohorts (gnomAD); Nonsense variant predicted to result in protein truncation or nonsense mediated decay in a gene for which loss of function is a known mechanism of disease; This variant is associated with the following publications: (PMID: 25525159, 15024745, 36709916, 37183013, 35909573, 36951356, 35154279, 28528406, 16879195, 25944380, 27509835, 32667677, 31447884, 27484908)

Dasa
Classification: Pathogenic. Last evaluated: 2025-07-17. Review status: criteria provided, single submitter. Criteria: DASA Assertion Criteria. Collection method: clinical testing. Allele origin: germline.
Comment: NM_000088.4(COL1A1):c.757C>T (p.Arg253*) introduces a premature termination codon predicted to result in loss of normal protein function. Loss-of-function is an established mechanism of disease for this gene. This variant has been recurrently observed in individuals with related phenotype (PMID: 27484908; PMID: 24715559; PMID: 31447884; PMID: 37183013; PMID: 27748872). The variant is present at low frequency in population datasets. Based on the available data, this variant is classified as pathogenic.

Clinical Biomedical Laboratory, Shriners Hospital For Children - Canada
Classification: Pathogenic for Osteogenesis imperfecta type I. Last evaluated: 2025-06-18. Review status: criteria provided, single submitter. Criteria: ACMG Guidelines, 2015. Collection method: clinical testing. Allele origin: germline. Affected: yes.
Comment: This variant is predicted to introduce a premature stop codon resulting in degradation of the affected transcript. Variants that introduce termination codons lead to degradation of the affected transcript and haploinsufficiency of the alpha 1 chain of collagen type I. COL1A1 haploinsufficiency is a typical cause of OI type I. This variant is not present in the Genome Aggregation Database (v.2.1.1), indicating it is rare. This variant has been reported in the literature (PMID 27509835) in individuals with osteogenesis imperfecta type I.

ARUP Laboratories, Molecular Genetics and Genomics, ARUP Laboratories
Classification: Pathogenic. Last evaluated: 2025-02-26. Review status: criteria provided, single submitter. Criteria: ARUP Molecular Germline Variant Investigation Process 2024. Collection method: clinical testing. Allele origin: germline.
Comment: The COL1A1 c.757C>T; p.Arg253Ter variant (rs72645318, ClinVar Variation ID: 265435) is reported in the literature in several individuals affected with osteogenesis imperfecta (OI; selected references: Bardai 2016, Kanno 2018, Ries-Levavi 2004). This variant is absent from the Genome Aggregation Database (v2.1.1), indicating it is not a common polymorphism. This variant induces an early termination codon and is predicted to result in a truncated protein or mRNA subject to nonsense-mediated decay. Additionally, numerous downstream truncating variants have been described in individuals with OI and are considered pathogenic. Based on available information, this variant is considered to be pathogenic. References: Bardai G et al. DNA sequence analysis in 598 individuals with a clinical diagnosis of osteogenesis imperfecta: diagnostic yield and mutation spectrum. Osteoporos Int. 2016 Dec;27(12):3607-3613. PMID: 27509835. Kanno J et al. Responsiveness to pamidronate treatment is not related to the genotype of type I collagen in patients with osteogenesis imperfecta. J Bone Miner Metab. 2018 May;36(3):344-351. PMID: 28528406. Ries-Levavi L et al. Genetic and biochemical analyses of Israeli osteogenesis imperfecta patients. Hum Mutat. 2004 Apr;23(4):399-400. PMID: 15024745.

Blueprint Genetics
Classification: Pathogenic for COL1A1-related disorders. Last evaluated: 2023-10-26. Review status: criteria provided, single submitter. Criteria: ACMG Guidelines, 2015. Collection method: clinical testing. Allele origin: germline. Affected: yes. Observed: 5 variant alleles.

Neuberg Centre For Genomic Medicine, NCGM
Classification: Pathogenic for Osteogenesis imperfecta type I. Last evaluated: 2023-06-22. Review status: criteria provided, single submitter. Criteria: ACMG Guidelines, 2015. Collection method: clinical testing. Allele origin: germline. Inheritance: Autosomal dominant inheritance. Affected: yes.
Comment: The stop gained c.757C>T (p.Arg253Ter) variant in COL1A1 gene has been reported previously in heterozygous state in multiple individuals affected with osteogenesis imperfecta (Ries-Levavi et al., 2004; Mauri et al., 2016; Bardai et al., 2016; Zhang et al., 2017; Zhytnik et al., 2019). This variant is absent in gnomAD Exomes. This variant has been submitted to the ClinVar database as Pathogenic (multiple submissions). Computational evidence (MutationTaster - Disease causing) predicts damaging effect on protein structure and function for this variant. The nucleotide change c.757C>T in COL1A1 is predicted as conserved by GERP++ and PhyloP across 100 vertebrates. This sequence change creates a premature translational stop signal (p.Arg253Ter) in the COL1A1 gene. This variant is predicted to cause loss of normal protein function through protein truncation. Loss of function variants in COL1A1 gene have been previously reported to be pathogenic (Körkkö et al., 1998). For these reasons, this variant has been classified as Pathogenic.

Genome Diagnostics Laboratory, The Hospital for Sick Children
Classification: Pathogenic for Osteogenesis imperfecta. Last evaluated: 2020-02-01. Review status: criteria provided, single submitter. Criteria: ACMG Guidelines, 2015. Collection method: clinical testing. Allele origin: germline.

CeGaT Center for Human Genetics Tuebingen
Classification: Pathogenic. Last evaluated: 2019-06-01. Review status: criteria provided, single submitter. Criteria: CeGaT Center For Human Genetics Tuebingen Variant Classification Criteria Version 2. Collection method: clinical testing. Allele origin: germline. Affected: yes. Observed: 1 variant allele.

Juno Genomics, Hangzhou Juno Genomics, Inc
Classification: Pathogenic for Osteogenesis imperfecta type I; Osteogenesis imperfecta, perinatal lethal; Osteogenesis imperfecta type III; Osteogenesis imperfecta with normal sclerae, dominant form. Review status: criteria provided, single submitter. Criteria: ACMG Guidelines, 2015. Collection method: clinical testing. Allele origin: germline. Affected: yes.
Comment: Absent from controls (or at extremely low frequency if recessive) in Genome Aggregation Database, Exome Sequencing Project, 1000 Genomes Project, or Exome Aggregation Consortium.;Null variant in a gene where loss of function (LOF) is a known mechanism of disease.;The prevalence of the variant in affected individuals is significantly increased compared to the prevalence in controls.;Co-segregation with disease in multiple affected family members in a gene definitively known to cause the disease.;Patient's phenotype or family history is highly specific for a disease with a single genetic etiology.

Literature cited by the submitters: PubMed 7942841 (cited by Labcorp Genetics (formerly Invitae), Labcorp); PubMed 9295084 (cited by Labcorp Genetics (formerly Invitae), Labcorp); PubMed 9443882 (cited by Labcorp Genetics (formerly Invitae), Labcorp); PubMed 15024745 (cited by Labcorp Genetics (formerly Invitae), Labcorp); PubMed 27484908 (cited by Labcorp Genetics (formerly Invitae), Labcorp and Dasa); PubMed 27509835 (cited by Labcorp Genetics (formerly Invitae), Labcorp and Clinical Biomedical Laboratory, Shriners Hospital For Children - Canada); PubMed 27748872 (cited by Labcorp Genetics (formerly Invitae), Labcorp and Dasa); PubMed 30886339 (cited by Women's Health and Genetics/Laboratory Corporation of America, LabCorp); PubMed 24715559 (cited by Dasa); PubMed 31447884 (cited by Dasa); PubMed 37183013 (cited by Dasa).

NM_000088.4(COL1A1):c.757C>T (p.Arg253Ter)

Genes: COL1A1 (collagen type I alpha 1 chain; minus strand), LOC126862586 (CDK7 strongly-dependent group 2 enhancer GRCh37_chr17:48273702-48274901; plus strand). Cytogenetic location: 17q21.33.
Variant type: single nucleotide variant.
Coding change: c.757C>T on transcript NM_000088.4 (MANE Select); coding-DNA position 757, C replaced by T.
Protein change: p.Arg253Ter; replaces arginine 253 with a stop codon.
Molecular consequence: nonsense.
Genome position (GRCh38, 1-based): chr17:50,197,057, G>A on the plus strand (C>T on the coding strand, the complement: COL1A1 is on the minus strand). VCF-style: chr17-50197057-G-A. GRCh37 (hg19) VCF-style: chr17-48274418-G-A.
Other names: short protein forms R253*.
Identifiers: ClinVar variation 265435 (VCV000265435.61), dbSNP rs72645318, ClinGen allele CA10588666.
Genomic context (GRCh38, chr17:50,197,057, plus strand): 5'-AAAGGTGACTCACTCTGTGTCCCTTCATTCCAGGGAGGCCAGCTGTTCCGGGCAATCCTC[G>A]AGCACCCTGGAGAGAGATGAAGAAGACAAGGAAGGGCCATTAGAACACATCACTGTGGAC-3'